The following is an entry in ClinVar:

NM_000548.5(TSC2):c.1801A>G (p.Ser601Gly)

Gene: TSC2 (TSC complex subunit 2; plus strand). Cytogenetic location: 16p13.3.
Variant type: single nucleotide variant.
Coding change: c.1801A>G on transcript NM_000548.5 (MANE Select); coding-DNA position 1801, A replaced by G.
Protein change: p.Ser601Gly; replaces serine 601 with glycine.
Molecular consequence: missense variant.
Genome position (GRCh38, 1-based): chr16:2,070,540, A>G. VCF-style: chr16-2070540-A-G. GRCh37 (hg19) VCF-style: chr16-2120541-A-G.
Other names: c.1801A>G, p.Ser601Gly (NM_001077183.3, NM_001114382.3, NM_001363528.2 and 6 more transcripts); c.1690A>G, p.Ser564Gly (NM_001318827.2, NM_001406670.1, NM_001406678.1); c.1654A>G, p.Ser552Gly (NM_001318829.2, NM_001406675.1, NM_001406676.1 and 1 more transcripts); c.1201A>G, p.Ser401Gly (NM_001318831.2, NM_001406680.1, NM_001406682.1 and 6 more transcripts); c.1834A>G, p.Ser612Gly (NM_001318832.2); c.1891A>G, p.Ser631Gly (NM_001406667.1, NM_001406668.1); c.1789A>G, p.Ser597Gly (NM_001406671.1, NM_001406673.1); c.1744A>G, p.Ser582Gly (NM_001406677.1); and 3 more; short protein forms S597G, S447G, S552G, S582G, S67G, S153G, S401G, S564G.
Identifiers: ClinVar variation 2202102 (VCV002202102.5), dbSNP rs2151280969, ClinGen allele CA394272948.
Genomic context (GRCh38, chr16:2,070,540, plus strand): 5'-AGCCACGCCACGCGTGTGTATGAGATGCTGGTCAGCCACATTCAGCTCCACTACAAGCAC[A>G]GCTACACCCTGCCAATCGCGAGCAGCATCCGGCTGCAGGTATGGTGGCTGGGGTTGCGCA-3'
Protein context (NP_000539.2, residues 591-611): VSHIQLHYKH[Ser601Gly]YTLPIASSIR

ClinVar aggregate classification (germline): Uncertain significance. Review status: criteria provided, multiple submitters, no conflicts (2 of 4 stars). 2 submissions from 2 submitters: Uncertain significance (2). Last evaluated 2025-12-02.

Conditions:
Hereditary cancer-predisposing syndrome. Also called: Neoplastic Syndromes, Hereditary; Tumor predisposition; Hereditary neoplastic syndrome; Hereditary Cancer Syndrome. Identifiers: Orphanet 140162, MedGen C0027672, MeSH D009386, MONDO:0015356.
Tuberous sclerosis 2 (TSC2). Identifiers: Orphanet 805, MedGen C1860707, MONDO:0013199, OMIM 613254.

gnomAD v4.1: 1 of 1,613,290 alleles (0.000062%); highest among the groups gnomAD compares: Non-Finnish European, 0.000085%; no homozygotes.

Submissions (2):

Ambry Genetics
Classification: Uncertain significance for Hereditary cancer-predisposing syndrome. Last evaluated: 2025-12-02. Review status: criteria provided, single submitter. Criteria: Ambry Variant Classification Scheme 2023. Collection method: clinical testing. Allele origin: germline.
Comment: The p.S601G variant (also known as c.1801A>G), located in coding exon 16 of the TSC2 gene, results from an A to G substitution at nucleotide position 1801. The serine at codon 601 is replaced by glycine, an amino acid with similar properties. This variant was reported in individual(s) with features consistent with tuberous sclerosis complex (Hardy R et al. Oncologist, 2012 Jun;17:925-6). This amino acid position is not well conserved in available vertebrate species. In addition, this alteration is predicted to be tolerated by in silico analysis. Based on the available evidence, the clinical significance of this variant remains unclear.

Labcorp Genetics (formerly Invitae), Labcorp
Classification: Uncertain significance for Tuberous sclerosis 2. Last evaluated: 2024-02-12. Review status: criteria provided, single submitter. Criteria: Invitae Variant Classification Sherloc (09022015). Collection method: clinical testing. Allele origin: germline.
Comment: This sequence change replaces serine, which is neutral and polar, with glycine, which is neutral and non-polar, at codon 601 of the TSC2 protein (p.Ser601Gly). This variant is not present in population databases (gnomAD no frequency). This missense change has been observed in individual(s) with tuberous sclerosis complex (PMID: 22707510). ClinVar contains an entry for this variant (Variation ID: 2202102). Advanced modeling of protein sequence and biophysical properties (such as structural, functional, and spatial information, amino acid conservation, physicochemical variation, residue mobility, and thermodynamic stability) performed at Invitae indicates that this missense variant is not expected to disrupt TSC2 protein function with a negative predictive value of 95%. In summary, the available evidence is currently insufficient to determine the role of this variant in disease. Therefore, it has been classified as a Variant of Uncertain Significance.

Literature cited by the submitters: PubMed 22707510 (cited by Ambry Genetics and Labcorp Genetics (formerly Invitae), Labcorp).